The following is an entry in ClinVar:

ClinVar aggregate classification (germline): Uncertain significance. Review status: criteria provided, multiple submitters, no conflicts (2 of 4 stars). 2 submissions from 2 submitters: Uncertain significance (2). Last evaluated 2025-03-15.

Conditions:
Neutropenia, severe congenital, 1, autosomal dominant. Identifiers: MedGen C1859966, MONDO:0042490, OMIM 202700.
Cyclical neutropenia. Also called: Cyclic Neutropenia; Cyclic hematopoiesis. Identifiers: Orphanet 2686, MedGen C0221023, MONDO:0008090, OMIM 162800, HP:0040289. Disease mechanism: loss of function.
Inborn genetic diseases. Identifiers: MedGen C0950123, MeSH D030342.

Submissions (2):

Ambry Genetics
Classification: Uncertain significance for Inborn genetic diseases. Last evaluated: 2025-03-15. Review status: criteria provided, single submitter. Criteria: Ambry Variant Classification Scheme 2023. Collection method: clinical testing. Allele origin: germline.
Comment: The p.A131V variant (also known as c.392C>T), located in coding exon 4 of the ELANE gene, results from a C to T substitution at nucleotide position 392. The alanine at codon 131 is replaced by valine, an amino acid with similar properties. This amino acid position is conserved. In addition, the in silico prediction for this alteration is inconclusive. Based on the available evidence, the clinical significance of this variant remains unclear.

Labcorp Genetics (formerly Invitae), Labcorp
Classification: Uncertain significance for Neutropenia, severe congenital, 1, autosomal dominant; Cyclical neutropenia. Last evaluated: 2022-01-11. Review status: criteria provided, single submitter. Criteria: Invitae Variant Classification Sherloc (09022015). Collection method: clinical testing. Allele origin: germline.
Comment: This variant is not present in population databases (gnomAD no frequency). This sequence change replaces alanine, which is neutral and non-polar, with valine, which is neutral and non-polar, at codon 131 of the ELANE protein (p.Ala131Val). This variant has not been reported in the literature in individuals affected with ELANE-related conditions. In summary, the available evidence is currently insufficient to determine the role of this variant in disease. Therefore, it has been classified as a Variant of Uncertain Significance. Algorithms developed to predict the effect of missense changes on protein structure and function (SIFT, PolyPhen-2, Align-GVGD) all suggest that this variant is likely to be tolerated.

NM_001972.4(ELANE):c.392C>T (p.Ala131Val)

Gene: ELANE (elastase, neutrophil expressed; plus strand). Cytogenetic location: 19p13.3.
Variant type: single nucleotide variant.
Coding change: c.392C>T on transcript NM_001972.4 (MANE Select); coding-DNA position 392, C replaced by T.
Protein change: p.Ala131Val; replaces alanine 131 with valine.
Molecular consequence: missense variant.
Genome position (GRCh38, 1-based): chr19:855,589, C>T. VCF-style: chr19-855589-C-T. GRCh37 (hg19) VCF-style: chr19-855589-C-T.
Other names: c.392C>T (NM_001972.2); short protein forms A131V.
Identifiers: ClinVar variation 1409299 (VCV001409299.9), dbSNP rs2035664443, ClinGen allele CA402917829.